The following is an entry in ClinVar:

NM_001195.5(BFSP1):c.1092del (p.Ala365fs)

Gene: BFSP1 (beaded filament structural protein 1; minus strand). Cytogenetic location: 20p12.1.
Variant type: Deletion.
Coding change: c.1092del on transcript NM_001195.5 (MANE Select); coding-DNA position 1092, one base deleted (A; older notation c.1092delA).
Protein change: p.Ala365fs; shifts the reading frame from alanine 365.
Molecular consequence: frameshift variant.
Genome position (GRCh38, 1-based): chr20:17,494,980, T deleted on the plus strand (A on the coding strand, the reverse complement: BFSP1 is on the minus strand); the first of 5 consecutive T bases (chr20:17,494,980-17,494,984); deleting any one gives the same sequence. VCF-style (leftmost placement, unchanged base first): chr20-17494979-CT-C. GRCh37 (hg19) VCF-style: chr20-17475624-CT-C.
Other names: c.717del, p.Ala240fs (NM_001161705.2); c.675del, p.Ala226fs (NM_001278606.2, NM_001278608.2); c.759del, p.Ala254fs (NM_001278607.2); c.984del, p.Ala329fs (NM_001424338.1); short protein forms A226fs, A240fs, A254fs, A329fs, A365fs.
Identifiers: ClinVar variation 3369682 (VCV003369682.1).
Genomic context (GRCh38, chr20:17,494,979, plus strand): 5'-CTCCGTTGGTTTTGTCTTTTGTTATAATCTCTTTTCTCCTTGGAACATTCTTGGGGAGGG[CT>C]TTTTGTCTTGGTTTTGCTGCTGTTATATCCTGCAGAGCTCTGGTAAGATCTGGAAAAACA-3'

ClinVar aggregate classification (germline): Uncertain significance (1 of 4 stars; one submission).

Submission:

GeneDx
Classification: Uncertain significance. Last evaluated: 2024-02-27. Review status: criteria provided, single submitter. Criteria: GeneDx Variant Classification Process June 2021. Collection method: clinical testing. Allele origin: germline. Affected: yes.
Comment: Frameshift variant predicted to result in abnormal protein length as the last 301 amino acids are replaced with 12 different amino acids; Not observed at significant frequency in large population cohorts (gnomAD); Has not been previously published as pathogenic or benign to our knowledge